The following is an entry in ClinVar:

NM_000057.4(BLM):c.3737_3738del (p.Leu1246fs)

Gene: BLM (BLM RecQ like helicase; plus strand). Cytogenetic location: 15q26.1.
Variant type: Microsatellite.
Coding change: c.3737_3738del on transcript NM_000057.4 (MANE Select); coding-DNA positions 3737 to 3738, 2 bases deleted (TC; older notation c.3737_3738delTC).
Protein change: p.Leu1246fs; shifts the reading frame from leucine 1246.
Molecular consequence: frameshift variant. On other transcripts: intron variant (1).
Genome position (GRCh38, 1-based): chr15:90,804,345-90,804,346, TC deleted; deleting any 2 consecutive bases within chr15:90,804,342-90,804,346 gives the same sequence; the c. name uses the placement nearest the transcript's 3' end. VCF-style (leftmost placement, unchanged base first): chr15-90804341-ACT-A. GRCh37 (hg19) VCF-style: chr15-91347571-ACT-A.
Other names: c.3737_3738del, p.Leu1246fs (NM_001287246.2); c.2612_2613del, p.Leu871fs (NM_001287248.2); c.3359-4792_3359-4791del (NM_001287247.2); c.3737_3738delTC (NM_000057.2); short protein forms L1246fs, L871fs.
Identifiers: ClinVar variation 968023 (VCV000968023.10), dbSNP rs1897238597, ClinGen allele CA2195293702.
Genomic context (GRCh38, chr15:90,804,341, plus strand): 5'-GTCTGCAAATCTCTGGGGAAAGTTTTTGGTGTCCATTACTTCAATATTTTTAATACCGTC[ACT>A]CTCAAGAAGCTTGCAGGTGGGTACACATGTATCCTTTGTTACGTGGCACAGATTAATAGG-3'

ClinVar aggregate classification (germline): Pathogenic. Review status: criteria provided, multiple submitters, no conflicts (2 of 4 stars). 3 submissions from 3 submitters: Pathogenic (3). Last evaluated 2026-09-29.

Conditions:
Bloom syndrome (BLM). Also called: Bloom-Torre-Machacek syndrome. Identifiers: Orphanet 125, MedGen C0005859, MONDO:0008876, OMIM 210900.
Hereditary cancer-predisposing syndrome. Also called: Tumor predisposition; Hereditary neoplastic syndrome; Neoplastic Syndromes, Hereditary; Hereditary Cancer Syndrome. Identifiers: Orphanet 140162, MedGen C0027672, MeSH D009386, MONDO:0015356.

Submissions (3):

Myriad Genetics, Inc.
Classification: Pathogenic for Bloom syndrome. Last evaluated: 2026-09-29. Review status: criteria provided, single submitter. Criteria: Myriad Autosomal Dominant, Autosomal Recessive and X-Linked Classification Criteria (2023). Collection method: clinical testing. Allele origin: unknown.
Comment: This variant is considered pathogenic. This variant creates a frameshift predicted to result in premature protein truncation.

Ambry Genetics
Classification: Pathogenic for Hereditary cancer-predisposing syndrome. Last evaluated: 2023-06-05. Review status: criteria provided, single submitter. Criteria: Ambry Variant Classification Scheme 2023. Collection method: clinical testing. Allele origin: germline.
Comment: The c.3737_3738delTC pathogenic mutation, located in coding exon 18 of the BLM gene, results from a deletion of two nucleotides at nucleotide positions 3737 to 3738, causing a translational frameshift with a predicted alternate stop codon (p.L1246Qfs*10). This variant is considered to be rare based on population cohorts in the Genome Aggregation Database (gnomAD). This alteration is expected to result in loss of function by premature protein truncation or nonsense-mediated mRNA decay. As such, this alteration is interpreted as a disease-causing mutation.

Labcorp Genetics (formerly Invitae), Labcorp
Classification: Pathogenic for Bloom syndrome. Last evaluated: 2019-10-17. Review status: criteria provided, single submitter. Criteria: Invitae Variant Classification Sherloc (09022015). Collection method: clinical testing. Allele origin: germline.
Comment: For these reasons, this variant has been classified as Pathogenic. Loss-of-function variants in BLM are known to be pathogenic (PMID: 17407155). This variant has not been reported in the literature in individuals with BLM-related conditions. This variant is not present in population databases (ExAC no frequency). This sequence change creates a premature translational stop signal (p.Leu1246Glnfs*10) in the BLM gene. It is expected to result in an absent or disrupted protein product.

Literature cited by the submitters: PubMed 17407155 (cited by Labcorp Genetics (formerly Invitae), Labcorp).